The following is an entry in ClinVar:

NM_001100913.3(PACS2):c.217C>T (p.Arg73Ter)

Gene: PACS2 (phosphofurin acidic cluster sorting protein 2; plus strand). Cytogenetic location: 14q32.33.
Variant type: single nucleotide variant.
Coding change: c.217C>T on transcript NM_001100913.3 (MANE Select); coding-DNA position 217, C replaced by T.
Protein change: p.Arg73Ter; replaces arginine 73 with a stop codon.
Molecular consequence: nonsense.
Genome position (GRCh38, 1-based): chr14:105,352,387, C>T. VCF-style: chr14-105352387-C-T. GRCh37 (hg19) VCF-style: chr14-105818724-C-T.
Other names: c.16C>T, p.Arg6Ter (NM_001243127.3); c.217C>T, p.Arg73Ter (NM_015197.4); short protein forms R6*, R73*.
Identifiers: ClinVar variation 4806389 (VCV004806389.1).
Genomic context (GRCh38, chr14:105,352,387, plus strand): 5'-TCCTGCTGATATGCAGTCCTTTGAGCTAGAACAGGTCTTGCTTAATCACAGGGCTCCAAA[C>T]GAATCCTGCGGTCCCATGAGATTGTGCTGCCCCCCAGTGGACAAGTGGAGACAGACCTGG-3'

ClinVar aggregate classification (germline): Uncertain significance (1 of 4 stars; one submission).

gnomAD v4.1: 1 of 1,610,832 alleles (0.000062%); highest among the groups gnomAD compares: Non-Finnish European, 0.000085%; no homozygotes.

Submission:

Labcorp Genetics (formerly Invitae), Labcorp
Classification: Uncertain significance. Last evaluated: 2025-08-16. Review status: criteria provided, single submitter. Criteria: Invitae Variant Classification Sherloc (09022015). Collection method: clinical testing. Allele origin: germline.
Comment: This sequence change creates a premature translational stop signal (p.Arg73*) in the PACS2 gene. It is expected to result in an absent or disrupted protein product. However, the current clinical and genetic evidence is not sufficient to establish whether loss-of-function variants in PACS2 cause disease. This variant is not present in population databases (gnomAD no frequency). This variant has not been reported in the literature in individuals affected with PACS2-related conditions. Algorithms developed to predict the effect of sequence changes on RNA splicing suggest that this variant may disrupt the consensus splice site. In summary, the available evidence is currently insufficient to determine the role of this variant in disease. Therefore, it has been classified as a Variant of Uncertain Significance.